The following is an entry in ClinVar:

NM_001002295.2(GATA3):c.638C>A (p.Ser213Ter)

Gene: GATA3 (GATA binding protein 3; plus strand). Cytogenetic location: 10p14.
Variant type: single nucleotide variant.
Coding change: c.638C>A on transcript NM_001002295.2 (MANE Select); coding-DNA position 638, C replaced by A.
Protein change: p.Ser213Ter; replaces serine 213 with a stop codon.
Molecular consequence: nonsense.
Genome position (GRCh38, 1-based): chr10:8,058,701, C>A. VCF-style: chr10-8058701-C-A. GRCh37 (hg19) VCF-style: chr10-8100664-C-A.
Other names: c.638C>A, p.Ser213Ter (NM_002051.3); short protein forms S213*.
Identifiers: ClinVar variation 2011955 (VCV002011955.4), dbSNP rs1477514775, ClinGen allele CA375970121.

ClinVar aggregate classification (germline): Pathogenic (1 of 4 stars; one submission).

Submission:

Labcorp Genetics (formerly Invitae), Labcorp
Classification: Pathogenic. Last evaluated: 2022-09-15. Review status: criteria provided, single submitter. Criteria: Invitae Variant Classification Sherloc (09022015). Collection method: clinical testing. Allele origin: germline.
Comment: This sequence change creates a premature translational stop signal (p.Ser213*) in the GATA3 gene. It is expected to result in an absent or disrupted protein product. Loss-of-function variants in GATA3 are known to be pathogenic (PMID: 14985365, 21242646). For these reasons, this variant has been classified as Pathogenic. This variant has not been reported in the literature in individuals affected with GATA3-related conditions. This variant is not present in population databases (gnomAD no frequency).

Literature cited by the submitters: PubMed 14985365; PubMed 21242646.